The following is an entry in ClinVar:

NM_001378418.1(TCF20):c.638G>A (p.Arg213Gln)

Gene: TCF20 (transcription factor 20; minus strand). Cytogenetic location: 22q13.2.
Variant type: single nucleotide variant.
Coding change: c.638G>A on transcript NM_001378418.1 (MANE Select); coding-DNA position 638, G replaced by A.
Protein change: p.Arg213Gln; replaces arginine 213 with glutamine.
Molecular consequence: missense variant.
Genome position (GRCh38, 1-based): chr22:42,214,668, C>T on the plus strand (G>A on the coding strand, the complement: TCF20 is on the minus strand). VCF-style: chr22-42214668-C-T. GRCh37 (hg19) VCF-style: chr22-42610674-C-T.
Other names: c.638G>A, p.Arg213Gln (NM_005650.4, NM_181492.3); short protein forms R213Q.
Identifiers: ClinVar variation 1721638 (VCV001721638.5), dbSNP rs749391771, ClinGen allele CA10267322.

ClinVar aggregate classification (germline): Uncertain significance (1 of 4 stars; one submission).

Allele frequency attached by ClinVar (database versions not stated): gnomAD exomes below 0.00001; TOPMed below 0.00001; ExAC 0.00002.
gnomAD v4.1: 6 of 1,614,106 alleles (0.00037%); highest among the groups gnomAD compares: East Asian, 0.0045%; no homozygotes.

Submission:

Labcorp Genetics (formerly Invitae), Labcorp
Classification: Uncertain significance. Last evaluated: 2022-10-14. Review status: criteria provided, single submitter. Criteria: Invitae Variant Classification Sherloc (09022015). Collection method: clinical testing. Allele origin: germline.
Comment: This sequence change replaces arginine, which is basic and polar, with glutamine, which is neutral and polar, at codon 213 of the TCF20 protein (p.Arg213Gln). This variant is present in population databases (rs749391771, gnomAD 0.006%). This variant has not been reported in the literature in individuals affected with TCF20-related conditions. Algorithms developed to predict the effect of missense changes on protein structure and function are either unavailable or do not agree on the potential impact of this missense change (SIFT: "Tolerated"; PolyPhen-2: "Probably Damaging"; Align-GVGD: "Class C0"). In summary, the available evidence is currently insufficient to determine the role of this variant in disease. Therefore, it has been classified as a Variant of Uncertain Significance.